The following is an entry in ClinVar:

NM_001148.6(ANK2):c.7253G>A (p.Ser2418Asn)

Genes: ANK2 (ankyrin 2; plus strand), LOC126807137 (CDK7 strongly-dependent group 2 enhancer GRCh37_chr4:114276560-114277759; plus strand). Cytogenetic location: 4q26.
Variant type: single nucleotide variant.
Coding change: c.7253G>A on transcript NM_001148.6 (MANE Select); coding-DNA position 7253, G replaced by A.
Protein change: p.Ser2418Asn; replaces serine 2418 with asparagine.
Molecular consequence: missense variant. On other transcripts: intron variant (68).
Genome position (GRCh38, 1-based): chr4:113,355,871, G>A. VCF-style: chr4-113355871-G-A. GRCh37 (hg19) VCF-style: chr4-114277027-G-A.
Other names: c.7019G>A, p.Ser2340Asn (NM_001386142.1); c.3653G>A, p.Ser1218Asn (NM_001386166.1); c.7394G>A, p.Ser2465Asn (NM_001386174.1); c.7370G>A, p.Ser2457Asn (NM_001386175.1); c.4412-4952G>A (NM_001386186.2, NM_001386148.2); c.4214-4952G>A (NM_001354269.3); c.4292-4952G>A (NM_001386187.2); c.4253-4952G>A (NM_001386147.1); and 35 more; short protein forms S1218N, S2340N, S2457N, S2418N, S2465N.
Identifiers: ClinVar variation 2450631 (VCV002450631.2), dbSNP rs2095731975, ClinGen allele CA357929942.

ClinVar aggregate classification (germline): Uncertain significance (1 of 4 stars; one submission).

Conditions:
Cardiovascular phenotype. Identifiers: MedGen CN230736.

Allele frequency attached by ClinVar (database versions not stated): TOPMed below 0.00001.

Submission:

Ambry Genetics
Classification: Uncertain significance for Cardiovascular phenotype. Last evaluated: 2022-12-09. Review status: criteria provided, single submitter. Criteria: Ambry Variant Classification Scheme 2023. Collection method: clinical testing. Allele origin: germline.
Comment: The p.S2418N variant (also known as c.7253G>A), located in coding exon 38 of the ANK2 gene, results from a G to A substitution at nucleotide position 7253. The serine at codon 2418 is replaced by asparagine, an amino acid with highly similar properties. This amino acid position is conserved. In addition, this alteration is predicted to be tolerated by in silico analysis. Since supporting evidence is limited at this time, the clinical significance of this alteration remains unclear.